The following is an entry in ClinVar:

NM_006421.5(ARFGEF1):c.4357A>G (p.Thr1453Ala)

Gene: ARFGEF1 (ARF guanine nucleotide exchange factor 1; minus strand). Cytogenetic location: 8q13.2.
Variant type: single nucleotide variant.
Coding change: c.4357A>G on transcript NM_006421.5 (MANE Select); coding-DNA position 4357, A replaced by G.
Protein change: p.Thr1453Ala; replaces threonine 1453 with alanine.
Molecular consequence: missense variant. On other transcripts: non-coding transcript variant (1).
Genome position (GRCh38, 1-based): chr8:67,218,120, T>C on the plus strand (A>G on the coding strand, the complement: ARFGEF1 is on the minus strand). VCF-style: chr8-67218120-T-C. GRCh37 (hg19) VCF-style: chr8-68130355-T-C.
Other names: c.4357A>G (NM_006421.4); c.4357A>G, p.Thr1453Ala (NM_001413184.1, NM_001413185.1, NM_001413186.1 and 5 more transcripts); c.3757A>G, p.Thr1253Ala (NM_001413188.1, NM_001413193.1, NM_001413197.1); c.4351A>G, p.Thr1451Ala (NM_001413190.1); c.2932A>G, p.Thr978Ala (NM_001413196.1); short protein forms T1253A, T978A, T1451A, T1453A.
Identifiers: ClinVar variation 3017842 (VCV003017842.5), dbSNP rs2491288339, ClinGen allele CA371190518.
Genomic context (GRCh38, chr8:67,218,120, plus strand): 5'-GTACTTCTAAATACTGAGTGAATACATCACAGATTGCATAAAGTGCATGATTGCAAGTTG[T>C]TGTCATCCATTCAGCTTTCTGGGGAAAAAAGTCATTAATGAACATCACGCCATTAATCAA-3'
Protein context (NP_006412.2, residues 1443-1463): QQTEKAEWMT[Thr1453Ala]TCNHALYAIC

ClinVar aggregate classification (germline): Uncertain significance. Review status: criteria provided, multiple submitters, no conflicts (2 of 4 stars). 2 submissions from 2 submitters: Uncertain significance (2). Last evaluated 2026-02-05.

Submissions (2):

GeneDx
Classification: Uncertain significance. Last evaluated: 2026-02-05. Review status: criteria provided, single submitter. Criteria: GeneDx Variant Classification Process June 2021. Collection method: clinical testing. Allele origin: germline. Affected: yes.
Comment: Not observed at significant frequency in large population cohorts (gnomAD); In silico analysis supports that this missense variant has a deleterious effect on protein structure/function; Has not been previously published as pathogenic or benign to our knowledge

Labcorp Genetics (formerly Invitae), Labcorp
Classification: Uncertain significance. Last evaluated: 2023-05-17. Review status: criteria provided, single submitter. Criteria: Invitae Variant Classification Sherloc (09022015). Collection method: clinical testing. Allele origin: germline.
Comment: In summary, the available evidence is currently insufficient to determine the role of this variant in disease. Therefore, it has been classified as a Variant of Uncertain Significance. An algorithm developed to predict the effect of missense changes on protein structure and function (PolyPhen-2) suggests that this variant is likely to be disruptive. This variant has not been reported in the literature in individuals affected with ARFGEF1-related conditions. This variant is not present in population databases (gnomAD no frequency). This sequence change replaces threonine, which is neutral and polar, with alanine, which is neutral and non-polar, at codon 1453 of the ARFGEF1 protein (p.Thr1453Ala).